The following is an entry in ClinVar:

ClinVar aggregate classification (germline): Uncertain significance. Review status: criteria provided, multiple submitters, no conflicts (2 of 4 stars). 2 submissions from 2 submitters: Uncertain significance (2). Last evaluated 2023-03-23.

Conditions:
Cardiovascular phenotype. Identifiers: MedGen CN230736.

Allele frequency attached by ClinVar (database versions not stated): gnomAD 0.00001; gnomAD exomes 0.00001; TOPMed 0.00003; ExAC 0.00005; 1000 Genomes Project 30x 0.00031; 1000 Genomes Project 0.00040.
gnomAD v4.1: 14 of 1,550,554 alleles (0.0009%); highest among the groups gnomAD compares: Middle Eastern, 0.017%; no homozygotes.

Submissions (2):

Ambry Genetics
Classification: Uncertain significance for Cardiovascular phenotype. Last evaluated: 2023-03-23. Review status: criteria provided, single submitter. Criteria: Ambry Variant Classification Scheme 2023. Collection method: clinical testing. Allele origin: germline.
Comment: The p.T1499M variant (also known as c.4496C>T), located in coding exon 2 of the ZNF469 gene, results from a C to T substitution at nucleotide position 4496. The threonine at codon 1499 is replaced by methionine, an amino acid with similar properties. This amino acid position is conserved. In addition, this alteration is predicted to be tolerated by in silico analysis. Since supporting evidence is limited at this time, the clinical significance of this alteration remains unclear.

Labcorp Genetics (formerly Invitae), Labcorp
Classification: Uncertain significance. Last evaluated: 2022-09-20. Review status: criteria provided, single submitter. Criteria: Invitae Variant Classification Sherloc (09022015). Collection method: clinical testing. Allele origin: germline.
Comment: This sequence change replaces threonine, which is neutral and polar, with methionine, which is neutral and non-polar, at codon 1499 of the ZNF469 protein (p.Thr1499Met). The frequency data for this variant in the population databases is considered unreliable, as metrics indicate poor data quality at this position in the gnomAD database. This variant has not been reported in the literature in individuals affected with ZNF469-related conditions. Algorithms developed to predict the effect of missense changes on protein structure and function output the following: SIFT: "Deleterious"; PolyPhen-2: "Benign"; Align-GVGD: "Class C0". The methionine amino acid residue is found in multiple mammalian species, which suggests that this missense change does not adversely affect protein function. In summary, the available evidence is currently insufficient to determine the role of this variant in disease. Therefore, it has been classified as a Variant of Uncertain Significance.

NM_001367624.2(ZNF469):c.4580C>T (p.Thr1527Met)

Gene: ZNF469 (zinc finger protein 469; plus strand). Cytogenetic location: 16q24.2.
Variant type: single nucleotide variant.
Coding change: c.4580C>T on transcript NM_001367624.2 (MANE Select); coding-DNA position 4580, C replaced by T.
Protein change: p.Thr1527Met; replaces threonine 1527 with methionine.
Molecular consequence: missense variant.
Genome position (GRCh38, 1-based): chr16:88,432,050, C>T. VCF-style: chr16-88432050-C-T. GRCh37 (hg19) VCF-style: chr16-88498458-C-T.
Other names: NM_001127464.1:c.4496C>T; short protein forms T1527M.
Identifiers: ClinVar variation 2194151 (VCV002194151.3), dbSNP rs183617173, ClinGen allele CA8224979.